The following is an entry in ClinVar:

ClinVar aggregate classification (germline): Likely benign. Review status: criteria provided, single submitter (1 of 4 stars). 2 submissions from 2 submitters: Likely benign (1). 1 of the submissions does not count toward it. Last evaluated 2022-12-02.

Conditions:
NOTCH3-related disorder. Also called: NOTCH3-related disorders; NOTCH3-related condition.

Allele frequency attached by ClinVar (database versions not stated): gnomAD exomes below 0.00001 and 0.00001; ExAC 0.00002; gnomAD 0.00002; TOPMed 0.00003.
gnomAD v4.1: 8 of 1,613,780 alleles (0.0005%); highest among the groups gnomAD compares: East Asian, 0.0067%; no homozygotes.

Submissions (2):

Labcorp Genetics (formerly Invitae), Labcorp
Classification: Likely benign. Last evaluated: 2022-12-02. Review status: criteria provided, single submitter. Criteria: Invitae Variant Classification Sherloc (09022015). Collection method: clinical testing. Allele origin: germline.

PreventionGenetics, part of Exact Sciences
Classification: Likely benign for NOTCH3-related condition. Last evaluated: 2022-05-02. Review status: no assertion criteria provided. Collection method: clinical testing. Allele origin: germline. Not counted in ClinVar's aggregate classification.
Comment: This variant is classified as likely benign based on ACMG/AMP sequence variant interpretation guidelines (Richards et al. 2015 PMID: 25741868, with internal and published modifications).

NM_000435.3(NOTCH3):c.762C>T (p.Gly254=)

Gene: NOTCH3 (notch receptor 3; minus strand). Cytogenetic location: 19p13.12.
Variant type: single nucleotide variant.
Coding change: c.762C>T on transcript NM_000435.3 (MANE Select); coding-DNA position 762, C replaced by T.
Protein change: p.Gly254=; no amino-acid change (glycine 254 retained).
Molecular consequence: synonymous variant.
Genome position (GRCh38, 1-based): chr19:15,191,785, G>A on the plus strand (C>T on the coding strand, the complement: NOTCH3 is on the minus strand). VCF-style: chr19-15191785-G-A. GRCh37 (hg19) VCF-style: chr19-15302596-G-A.
Other names: c.762C>T (NM_000435.2).
Identifiers: ClinVar variation 1598247 (VCV001598247.10), dbSNP rs747601491, ClinGen allele CA9263797.